The following is an entry in ClinVar:

NM_000525.4(KCNJ11):c.1117_1123delinsT (p.Val373_Met375delinsLeu)

Gene: KCNJ11 (potassium inwardly rectifying channel subfamily J member 11; minus strand). Cytogenetic location: 11p15.1.
Variant type: Indel.
Coding change: c.1117_1123delinsT on transcript NM_000525.4 (MANE Select); coding-DNA positions 1117 to 1123, GTGCCCA replaced by T.
Protein change: p.Val373_Met375delinsLeu.
Molecular consequence: inframe indel.
Genome position (GRCh38, 1-based): chr11:17,386,969-17,386,975, TGGGCAC replaced by A on the plus strand (GTGCCCA replaced by T on the coding strand, the reverse complement: KCNJ11 is on the minus strand). VCF-style: chr11-17386969-TGGGCAC-A. GRCh37 (hg19) VCF-style: chr11-17408516-TGGGCAC-A.
Other names: c.856_862delinsT, p.Val286_Met288delinsLeu (NM_001166290.2, NM_001377296.1, NM_001377297.1).
Identifiers: ClinVar variation 3901709 (VCV003901709.1).

ClinVar aggregate classification (germline): Uncertain significance (1 of 4 stars; one submission).

Submission:

GeneDx
Classification: Uncertain significance. Last evaluated: 2024-12-01. Review status: criteria provided, single submitter. Criteria: GeneDx Variant Classification Process June 2021. Collection method: clinical testing. Allele origin: germline. Affected: yes.
Comment: Not observed at significant frequency in large population cohorts (gnomAD); In-frame deletion of 3 amino acids and insertion of 1 different amino acid in a non-repeat region; In silico analysis indicates that this variant does not alter protein structure/function; Has not been previously published as pathogenic or benign to our knowledge